The following is an entry in ClinVar:

NM_003072.5(SMARCA4):c.4796T>C (p.Leu1599Pro)

Gene: SMARCA4 (SWI/SNF related BAF chromatin remodeling complex subunit ATPase 4; plus strand). Cytogenetic location: 19p13.2.
Variant type: single nucleotide variant.
Coding change: c.4796T>C on transcript NM_003072.5 (MANE Select); coding-DNA position 4796, T replaced by C.
Protein change: p.Leu1599Pro; replaces leucine 1599 with proline.
Molecular consequence: missense variant. On other transcripts: non-coding transcript variant (1).
Genome position (GRCh38, 1-based): chr19:11,060,072, T>C. VCF-style: chr19-11060072-T-C. GRCh37 (hg19) VCF-style: chr19-11170748-T-C.
Other names: c.4796T>C, p.Leu1599Pro (NM_001128844.3); c.4706T>C, p.Leu1569Pro (NM_001128845.2); c.4703T>C, p.Leu1568Pro (NM_001128846.2); c.4697T>C, p.Leu1566Pro (NM_001128847.4, NM_001374457.1); c.4694T>C, p.Leu1565Pro (NM_001128848.2); c.4892T>C, p.Leu1631Pro (NM_001128849.3, NM_001387283.1); c.4793T>C, p.Leu1598Pro (NM_001411150.1); short protein forms L1568P, L1598P, L1599P, L1631P, L1569P, L1565P, L1566P.
Identifiers: ClinVar variation 4827336 (VCV004827336.1).

ClinVar aggregate classification (germline): Uncertain significance (1 of 4 stars; one submission).

Conditions:
Hereditary cancer-predisposing syndrome. Also called: Neoplastic Syndromes, Hereditary; Tumor predisposition; Hereditary Cancer Syndrome; Hereditary neoplastic syndrome. Identifiers: Orphanet 140162, MedGen C0027672, MeSH D009386, MONDO:0015356.

Submission:

Ambry Genetics
Classification: Uncertain significance for Hereditary cancer-predisposing syndrome. Last evaluated: 2026-03-06. Review status: criteria provided, single submitter. Criteria: Ambry Variant Classification Scheme 2023. Collection method: clinical testing. Allele origin: germline.
Comment: The p.L1631P variant (also known as c.4892T>C), located in coding exon 34 of the SMARCA4 gene, results from a T to C substitution at nucleotide position 4892. The leucine at codon 1631 is replaced by proline, an amino acid with similar properties. This amino acid position is conserved. In addition, this alteration is predicted to be deleterious by in silico analysis. Based on the available evidence, the clinical significance of this variant remains unclear.